The following is an entry in ClinVar:

NM_000384.3(APOB):c.10678T>C (p.Tyr3560His)

Gene: APOB (apolipoprotein B; minus strand). Cytogenetic location: 2p24.1.
Variant type: single nucleotide variant.
Coding change: c.10678T>C on transcript NM_000384.3 (MANE Select); coding-DNA position 10678, T replaced by C.
Protein change: p.Tyr3560His; replaces tyrosine 3560 with histidine.
Molecular consequence: missense variant.
Genome position (GRCh38, 1-based): chr2:21,006,190, A>G on the plus strand (T>C on the coding strand, the complement: APOB is on the minus strand). VCF-style: chr2-21006190-A-G. GRCh37 (hg19) VCF-style: chr2-21229062-A-G.
Other names: short protein forms Y3560H.
Identifiers: ClinVar variation 580060 (VCV000580060.11), dbSNP rs1558561174, ClinGen allele CA345985623.

ClinVar aggregate classification (germline): Uncertain significance (1 of 4 stars; one submission).

Conditions:
Hypercholesterolemia, autosomal dominant, type B (FHCL2). Also called: Hyperlipoproteinemia Type IIb; Familial Hypercholesterolemia Type B; APOLIPOPROTEIN B-100, FAMILIAL DEFECTIVE; APOLIPOPROTEIN B-100, FAMILIAL LIGAND-DEFECTIVE; Familial hypercholesterolemia 2; APOB-Related Familial Hypercholesterolemia, Autosomal Dominant. Identifiers: MedGen C1704417, MONDO:0007751, OMIM 144010.
Familial hypobetalipoproteinemia 1. Also called: Hypobetalipoproteinemia, normotriglyceridemic; Acanthocytosis with hypobetalipoproteinemia; APOB-Related Familial Hypobetalipoproteinemia. Identifiers: MedGen C4551990, MONDO:0014252, OMIM 615558.

Submission:

Labcorp Genetics (formerly Invitae), Labcorp
Classification: Uncertain significance for Familial hypobetalipoproteinemia 1; Hypercholesterolemia, autosomal dominant, type B. Last evaluated: 2018-03-23. Review status: criteria provided, single submitter. Criteria: Invitae Variant Classification Sherloc (09022015). Collection method: clinical testing. Allele origin: germline.
Comment: Algorithms developed to predict the effect of missense changes on protein structure and function do not agree on the potential impact of this missense change (SIFT: "Deleterious"; PolyPhen-2: "Probably Damaging"; Align-GVGD: "Class C0"). A different missense substitution at this codon (p.Tyr3560Cys) has been reported in individuals affected with familial hypercholesterolemia (PMID: 18325181, 20828696). In summary, the available evidence is currently insufficient to determine the role of this variant in disease. Therefore, it has been classified as a Variant of Uncertain Significance. This variant has not been reported in the literature in individuals with APOB-related disease. This variant is not present in population databases (ExAC no frequency). This sequence change replaces tyrosine with histidine at codon 3560 of the APOB protein (p.Tyr3560His). The tyrosine residue is moderately conserved and there is a moderate physicochemical difference between tyrosine and histidine.

Literature cited by the submitters: PubMed 18325181; PubMed 20828696.